The following is an entry in ClinVar:

ClinVar aggregate classification (germline): Uncertain significance (1 of 4 stars; one submission).

Conditions:
Hereditary cancer-predisposing syndrome. Also called: Neoplastic Syndromes, Hereditary; Tumor predisposition; Hereditary Cancer Syndrome; Hereditary neoplastic syndrome. Identifiers: Orphanet 140162, MedGen C0027672, MeSH D009386, MONDO:0015356.

Submission:

Ambry Genetics
Classification: Uncertain significance for Hereditary cancer-predisposing syndrome. Last evaluated: 2021-11-25. Review status: criteria provided, single submitter. Criteria: Ambry Variant Classification Scheme 2023. Collection method: clinical testing. Allele origin: germline.
Comment: The p.S538F variant (also known as c.1613C>T), located in coding exon 14 of the MRE11A gene, results from a C to T substitution at nucleotide position 1613. The serine at codon 538 is replaced by phenylalanine, an amino acid with highly dissimilar properties. This amino acid position is conserved. In addition, this alteration is predicted to be tolerated by in silico analysis. Since supporting evidence is limited at this time, the clinical significance of this alteration remains unclear.

NM_005591.4(MRE11):c.1613C>T (p.Ser538Phe)

Gene: MRE11 (MRE11 double strand break repair nuclease; minus strand). Cytogenetic location: 11q21.
Variant type: single nucleotide variant.
Coding change: c.1613C>T on transcript NM_005591.4 (MANE Select); coding-DNA position 1613, C replaced by T.
Protein change: p.Ser538Phe; replaces serine 538 with phenylalanine.
Molecular consequence: missense variant.
Genome position (GRCh38, 1-based): chr11:94,447,389, G>A on the plus strand (C>T on the coding strand, the complement: MRE11 is on the minus strand). VCF-style: chr11-94447389-G-A. GRCh37 (hg19) VCF-style: chr11-94180555-G-A.
Other names: c.1613C>T, p.Ser538Phe (NM_001330347.2, NM_005590.4); short protein forms S538F.
Identifiers: ClinVar variation 1799808 (VCV001799808.2), dbSNP rs2496296851, ClinGen allele CA382368639.
Genomic context (GRCh38, chr11:94,447,389, plus strand): 5'-GAGTCATTAGCCATCTGTTCTGCTAAATCTATACTCATAAGGTCATCAGCACTAAAGGCA[G>A]AAGCAGACTCCTCTGACTGAGATCTGAGTGCTCTGGCCCTGGTCATAGCCTAAGAGGGAG-3'
Protein context (NP_005582.1, residues 528-548): ALRSQSEESA[Ser538Phe]AFSADDLMSI